The following is an entry in ClinVar:

NM_012431.3(SEMA3E):c.631C>G (p.His211Asp)

Gene: SEMA3E (semaphorin 3E; minus strand). Cytogenetic location: 7q21.11.
Variant type: single nucleotide variant.
Coding change: c.631C>G on transcript NM_012431.3 (MANE Select); coding-DNA position 631, C replaced by G.
Protein change: p.His211Asp; replaces histidine 211 with aspartic acid.
Molecular consequence: missense variant.
Genome position (GRCh38, 1-based): chr7:83,408,407, G>C on the plus strand (C>G on the coding strand, the complement: SEMA3E is on the minus strand). VCF-style: chr7-83408407-G-C. GRCh37 (hg19) VCF-style: chr7-83037723-G-C.
Other names: c.451C>G, p.His151Asp (NM_001178129.2); short protein forms H151D, H211D.
Identifiers: ClinVar variation 3344910 (VCV003344910.1).

ClinVar aggregate classification (germline): Uncertain significance (0 of 4 stars; one submission).

Conditions:
SEMA3E-related disorder. Also called: SEMA3E-related condition.

gnomAD v4.1: 1 of 1,613,644 alleles (0.000062%); highest among the groups gnomAD compares: African/African-American, 0.0013%; no homozygotes.

Submission:

PreventionGenetics, part of Exact Sciences
Classification: Uncertain significance for SEMA3E-related condition. Last evaluated: 2024-04-30. Review status: no assertion criteria provided. Collection method: clinical testing. Allele origin: germline.
Comment: The SEMA3E c.631C>G variant is predicted to result in the amino acid substitution p.His211Asp. To our knowledge, this variant has not been reported in the literature or in a large population database, indicating this variant is rare. At this time, the clinical significance of this variant is uncertain due to the absence of conclusive functional and genetic evidence.